The following is an entry in ClinVar:

ClinVar aggregate classification (germline): Uncertain significance (1 of 4 stars; one submission).

Allele frequency attached by ClinVar (database versions not stated): gnomAD exomes below 0.00001.
gnomAD v4.1: 2 of 1,551,748 alleles (0.00013%); highest among the groups gnomAD compares: Admixed American, 0.002%; no homozygotes.

Submission:

Labcorp Genetics (formerly Invitae), Labcorp
Classification: Uncertain significance. Last evaluated: 2022-01-06. Review status: criteria provided, single submitter. Criteria: Invitae Variant Classification Sherloc (09022015). Collection method: clinical testing. Allele origin: germline.
Comment: This sequence change replaces glutamic acid, which is acidic and polar, with lysine, which is basic and polar, at codon 75 of the LRIT3 protein (p.Glu75Lys). This variant is not present in population databases (gnomAD no frequency). This variant has not been reported in the literature in individuals affected with LRIT3-related conditions. Algorithms developed to predict the effect of missense changes on protein structure and function are either unavailable or do not agree on the potential impact of this missense change (SIFT: "Deleterious"; PolyPhen-2: "Possibly Damaging"; Align-GVGD: "Class C0"). In summary, the available evidence is currently insufficient to determine the role of this variant in disease. Therefore, it has been classified as a Variant of Uncertain Significance.

NM_198506.5(LRIT3):c.223G>A (p.Glu75Lys)

Gene: LRIT3 (leucine rich repeat, Ig-like and transmembrane domains 3; plus strand). Cytogenetic location: 4q25.
Variant type: single nucleotide variant.
Coding change: c.223G>A on transcript NM_198506.5 (MANE Select); coding-DNA position 223, G replaced by A.
Protein change: p.Glu75Lys; replaces glutamic acid 75 with lysine.
Molecular consequence: missense variant.
Genome position (GRCh38, 1-based): chr4:109,851,610, G>A. VCF-style: chr4-109851610-G-A. GRCh37 (hg19) VCF-style: chr4-110772766-G-A.
Other names: short protein forms E75K.
Identifiers: ClinVar variation 1462266 (VCV001462266.3), dbSNP rs1182736872, ClinGen allele CA357871215.